The following is an entry in ClinVar:

NM_017780.4(CHD7):c.8368A>G (p.Lys2790Glu)

Gene: CHD7 (chromodomain helicase DNA binding protein 7; plus strand). Cytogenetic location: 8q12.2.
Variant type: single nucleotide variant.
Coding change: c.8368A>G on transcript NM_017780.4 (MANE Select); coding-DNA position 8368, A replaced by G.
Protein change: p.Lys2790Glu; replaces lysine 2790 with glutamic acid.
Molecular consequence: missense variant.
Genome position (GRCh38, 1-based): chr8:60,865,307, A>G. VCF-style: chr8-60865307-A-G. GRCh37 (hg19) VCF-style: chr8-61777866-A-G.
Other names: c.2221A>G, p.Lys741Glu (NM_001316690.1); short protein forms K741E, K2790E.
Identifiers: ClinVar variation 3637097 (VCV003637097.2).

ClinVar aggregate classification (germline): Uncertain significance (1 of 4 stars; one submission).

Conditions:
CHARGE syndrome (CHARGE). Also called: Hittner Hirsch Kreh syndrome; CHARGE ASSOCIATION--COLOBOMA, HEART ANOMALY, CHOANAL ATRESIA, RETARDATION, GENITAL AND EAR ANOMALIES; Coloboma, heart anomaly, choanal atresia, retardation, genital and ear anomalies; CHARGE association; Hall-Hittner syndrome. Identifiers: Orphanet 138, MedGen C0265354, MONDO:0008965.

gnomAD v4.1: 1 of 1,611,510 alleles (0.000062%); no homozygotes.

Submission:

Labcorp Genetics (formerly Invitae), Labcorp
Classification: Uncertain significance for CHARGE syndrome. Last evaluated: 2024-09-20. Review status: criteria provided, single submitter. Criteria: Invitae Variant Classification Sherloc (09022015). Collection method: clinical testing. Allele origin: germline.
Comment: This sequence change replaces lysine, which is basic and polar, with glutamic acid, which is acidic and polar, at codon 2790 of the CHD7 protein (p.Lys2790Glu). This variant is not present in population databases (gnomAD no frequency). This variant has not been reported in the literature in individuals affected with CHD7-related conditions. Invitae Evidence Modeling of protein sequence and biophysical properties (such as structural, functional, and spatial information, amino acid conservation, physicochemical variation, residue mobility, and thermodynamic stability) indicates that this missense variant is not expected to disrupt CHD7 protein function with a negative predictive value of 95%. In summary, the available evidence is currently insufficient to determine the role of this variant in disease. Therefore, it has been classified as a Variant of Uncertain Significance.